The following is an entry in ClinVar:

NM_005392.4(PHF2):c.3231C>T (p.Thr1077=)

Gene: PHF2 (PHD finger protein 2; plus strand). Cytogenetic location: 9q22.31.
Variant type: single nucleotide variant.
Coding change: c.3231C>T on transcript NM_005392.4 (MANE Select); coding-DNA position 3231, C replaced by T.
Protein change: p.Thr1077=; no amino-acid change (threonine 1077 retained).
Molecular consequence: synonymous variant.
Genome position (GRCh38, 1-based): chr9:93,677,616, C>T. VCF-style: chr9-93677616-C-T. GRCh37 (hg19) VCF-style: chr9-96439898-C-T.
Identifiers: ClinVar variation 3050962 (VCV003050962.2), dbSNP rs140577032, ClinGen allele CA5133249.
Genomic context (GRCh38, chr9:93,677,616, plus strand): 5'-CCCTTTTTGTGTCCCCTCCCCGACTCCCCTAGGAAAACGTACGAAAAAGGGCATGGCGAC[C>T]GCCAAGCAGAGGCTTGGGAAAATTTTGAAAATTCATCGGAACGGGAAACTACTCCTTTAA-3'
Protein context (NP_005383.3, residues 1067-1087): KGKRTKKGMA[Thr1077=]AKQRLGKILK

ClinVar aggregate classification (germline): Likely benign (0 of 4 stars; one submission).

Conditions:
PHF2-related disorder. Also called: PHF2-related condition.

Allele frequency attached by ClinVar (database versions not stated): ExAC 0.00011; ESP Exome Variant Server 0.00015; TOPMed 0.00016; gnomAD 0.00021.
gnomAD v4.1: 374 of 1,613,728 alleles (0.023%); highest among the groups gnomAD compares: Non-Finnish European, 0.03%; no homozygotes.

Submission:

PreventionGenetics, part of Exact Sciences
Classification: Likely benign for PHF2-related condition. Last evaluated: 2019-03-14. Review status: no assertion criteria provided. Collection method: clinical testing. Allele origin: germline.
Comment: This variant is classified as likely benign based on ACMG/AMP sequence variant interpretation guidelines (Richards et al. 2015 PMID: 25741868, with internal and published modifications).